The following is an entry in ClinVar:

NM_000642.3(AGL):c.2308+4A>G

Gene: AGL (amylo-alpha-1,6-glucosidase and 4-alpha-glucanotransferase; plus strand). Cytogenetic location: 1p21.2.
Variant type: single nucleotide variant.
Coding change: c.2308+4A>G on transcript NM_000642.3 (MANE Select); 4 bases into the intron after coding-DNA position 2308, A replaced by G.
Molecular consequence: intron variant.
Genome position (GRCh38, 1-based): chr1:99,881,695, A>G. VCF-style: chr1-99881695-A-G. GRCh37 (hg19) VCF-style: chr1-100347251-A-G.
Other names: c.2308+4A>G (NM_000643.3, NM_000644.3, NM_001425326.1 and 2 more transcripts); c.2260+4A>G (NM_000646.3); c.2107+4A>G (NM_001425327.1); c.2104+4A>G (NM_001425328.1, NM_001425329.1); c.1930+4A>G (NM_001425332.1).
Identifiers: ClinVar variation 571171 (VCV000571171.8), dbSNP rs773741361, ClinGen allele CA966737.

ClinVar aggregate classification (germline): Uncertain significance. Review status: criteria provided, single submitter (1 of 4 stars). 2 submissions from 2 submitters: Uncertain significance (1). 1 of the submissions does not count toward it. Last evaluated 2022-03-15.

Conditions:
Glycogen storage disease type III (GSD3). Also called: Cori disease; FORBES DISEASE. Identifiers: Orphanet 366, MedGen C0017922, MONDO:0009291, OMIM 232400.

Allele frequency attached by ClinVar (database versions not stated): TOPMed below 0.00001; ExAC 0.00001; gnomAD 0.00001; gnomAD exomes 0.00002 and 0.00003.
gnomAD v4.1: 39 of 1,613,054 alleles (0.0024%); highest among the groups gnomAD compares: Non-Finnish European, 0.0031%; no homozygotes.

Submissions (2):

Labcorp Genetics (formerly Invitae), Labcorp
Classification: Uncertain significance for Glycogen storage disease type III. Last evaluated: 2022-03-15. Review status: criteria provided, single submitter. Criteria: Invitae Variant Classification Sherloc (09022015). Collection method: clinical testing. Allele origin: germline.
Comment: This sequence change falls in intron 17 of the AGL gene. It does not directly change the encoded amino acid sequence of the AGL protein. It affects a nucleotide within the consensus splice site. This variant is present in population databases (rs773741361, gnomAD 0.003%). This variant has not been reported in the literature in individuals affected with AGL-related conditions. ClinVar contains an entry for this variant (Variation ID: 571171). Variants that disrupt the consensus splice site are a relatively common cause of aberrant splicing (PMID: 17576681, 9536098). Algorithms developed to predict the effect of sequence changes on RNA splicing suggest that this variant is not likely to affect RNA splicing. In summary, the available evidence is currently insufficient to determine the role of this variant in disease. Therefore, it has been classified as a Variant of Uncertain Significance.

Natera, Inc.
Classification: Uncertain significance for Glycogen storage disease type III. Last evaluated: 2019-10-28. Review status: no assertion criteria provided. Collection method: clinical testing. Allele origin: germline. Not counted in ClinVar's aggregate classification.

Literature cited by the submitters: PubMed 17576681 (cited by Labcorp Genetics (formerly Invitae), Labcorp); PubMed 9536098 (cited by Labcorp Genetics (formerly Invitae), Labcorp).